The following is an entry in ClinVar:

NM_004341.5(CAD):c.6058G>A (p.Val2020Ile)

Gene: CAD (carbamoyl-phosphate synthetase 2, aspartate transcarbamylase, and dihydroorotase; plus strand). Cytogenetic location: 2p23.3.
Variant type: single nucleotide variant.
Coding change: c.6058G>A on transcript NM_004341.5 (MANE Select); coding-DNA position 6058, G replaced by A.
Protein change: p.Val2020Ile; replaces valine 2020 with isoleucine.
Molecular consequence: missense variant.
Genome position (GRCh38, 1-based): chr2:27,242,085, G>A. VCF-style: chr2-27242085-G-A. GRCh37 (hg19) VCF-style: chr2-27464953-G-A.
Other names: c.5869G>A, p.Val1957Ile (NM_001306079.2); short protein forms V2020I, V1957I.
Identifiers: ClinVar variation 1924532 (VCV001924532.3), dbSNP rs776841196, ClinGen allele CA1574092.

ClinVar aggregate classification (germline): Uncertain significance. Review status: criteria provided, multiple submitters, no conflicts (2 of 4 stars). 2 submissions from 2 submitters: Uncertain significance (2). Last evaluated 2022-06-13.

Conditions:
Inborn genetic diseases. Identifiers: MedGen C0950123, MeSH D030342.

Allele frequency attached by ClinVar (database versions not stated): gnomAD 0.00001; gnomAD exomes 0.00001; TOPMed 0.00001; ExAC 0.00005.
gnomAD v4.1: 15 of 1,613,066 alleles (0.00093%); highest among the groups gnomAD compares: Middle Eastern, 0.017%; no homozygotes.

Submissions (2):

Labcorp Genetics (formerly Invitae), Labcorp
Classification: Uncertain significance. Last evaluated: 2022-06-13. Review status: criteria provided, single submitter. Criteria: Invitae Variant Classification Sherloc (09022015). Collection method: clinical testing. Allele origin: germline.
Comment: This sequence change replaces valine, which is neutral and non-polar, with isoleucine, which is neutral and non-polar, at codon 2020 of the CAD protein (p.Val2020Ile). This variant is present in population databases (rs776841196, gnomAD 0.007%). This variant has not been reported in the literature in individuals affected with CAD-related conditions. Algorithms developed to predict the effect of missense changes on protein structure and function (SIFT, PolyPhen-2, Align-GVGD) all suggest that this variant is likely to be tolerated. In summary, the available evidence is currently insufficient to determine the role of this variant in disease. Therefore, it has been classified as a Variant of Uncertain Significance.

Ambry Genetics
Classification: Uncertain significance for Inborn genetic diseases. Last evaluated: 2021-07-15. Review status: criteria provided, single submitter. Criteria: Ambry Variant Classification Scheme 2023. Collection method: clinical testing. Allele origin: germline.